The following is an entry in ClinVar:

NM_019109.5(ALG1):c.1040G>T (p.Trp347Leu)

Gene: ALG1 (ALG1 chitobiosyldiphosphodolichol beta-mannosyltransferase; plus strand). Cytogenetic location: 16p13.3.
Variant type: single nucleotide variant.
Coding change: c.1040G>T on transcript NM_019109.5 (MANE Select); coding-DNA position 1040, G replaced by T.
Protein change: p.Trp347Leu; replaces tryptophan 347 with leucine.
Molecular consequence: missense variant.
Genome position (GRCh38, 1-based): chr16:5,081,024, G>T. VCF-style: chr16-5081024-G-T. GRCh37 (hg19) VCF-style: chr16-5131025-G-T.
Other names: c.707G>T, p.Trp236Leu (NM_001330504.2); short protein forms W236L, W347L.
Identifiers: ClinVar variation 1702596 (VCV001702596.3), dbSNP rs1217401895, ClinGen allele CA394673026.
Genomic context (GRCh38, chr16:5,081,024, plus strand): 5'-AGTATTATAGCCGCCTCATCCACCAGAAGCACTTCCAGCACATCCAGGTCTGCACCCCCT[G>T]GCTGGAGGCCGAGGACTACCCCCTGCTTCTAGGTGAGAGGCCAGCAGGAGGCTCAGGGAG-3'
Protein context (NP_061982.3, residues 337-357): HFQHIQVCTP[Trp347Leu]LEAEDYPLLL

ClinVar aggregate classification (germline): Uncertain significance (1 of 4 stars; one submission).

Submission:

GeneDx
Classification: Uncertain significance. Last evaluated: 2022-10-25. Review status: criteria provided, single submitter. Criteria: GeneDx Variant Classification Process June 2021. Collection method: clinical testing. Allele origin: germline.
Comment: Not observed at significant frequency in large population cohorts (gnomAD); In silico analysis supports that this missense variant has a deleterious effect on protein structure/function; Has not been previously published as pathogenic or benign to our knowledge